The following is an entry in ClinVar:

NM_007294.4(BRCA1):c.707del (p.Thr236fs)

Gene: BRCA1 (BRCA1 DNA repair associated; minus strand). Cytogenetic location: 17q21.31.
Variant type: Deletion.
Coding change: c.707del on transcript NM_007294.4 (MANE Select); coding-DNA position 707, one base deleted (C; older notation c.707delC).
Protein change: p.Thr236fs; shifts the reading frame from threonine 236.
Molecular consequence: frameshift variant. On other transcripts: non-coding transcript variant (1).
Genome position (GRCh38, 1-based): chr17:43,094,824, G deleted on the plus strand (C on the coding strand, the reverse complement: BRCA1 is on the minus strand). VCF-style (leftmost placement, unchanged base first): chr17-43094823-AG-A. GRCh37 (hg19) VCF-style: chr17-41246840-AG-A.
Other names: 826delC; c.566delC, p.Thr189Metfs (NM_001408410.1, NM_001408452.1, NM_001408453.1 and 42 more transcripts); c.629delC, p.Thr210Metfs (NM_001408411.1, NM_001408412.1, NM_001408414.1 and 9 more transcripts); c.626delC, p.Thr209Metfs (NM_001408413.1, NM_001408416.1, NM_001407659.1 and 3 more transcripts); c.584delC, p.Thr195Metfs (NM_001408425.1, NM_001408426.1, NM_001408427.1 and 34 more transcripts); c.581delC, p.Thr194Metfs (NM_001408432.1, NM_001408433.1, NM_001408434.1 and 20 more transcripts); c.572delC, p.Thr191Metfs (NM_001408451.1); c.563delC, p.Thr188Metfs (NM_001408462.1, NM_001408463.1, NM_001408464.1 and 26 more transcripts); and 17 more; short protein forms T189fs, T236fs.
Identifiers: ClinVar variation 266571 (VCV000266571.6), dbSNP rs886040311, ClinGen allele CA10590000.

ClinVar aggregate classification (germline): Pathogenic. Review status: reviewed by expert panel (3 of 4 stars). 2 submissions from 2 submitters: Pathogenic (1). 1 of the submissions does not count toward it. Last evaluated 2016-10-18.

Conditions:
Breast-ovarian cancer, familial, susceptibility to, 1 (BROVCA1). Also called: BRCA1 Hereditary Breast and Ovarian Cancer; OVARIAN CANCER, SUSCEPTIBILITY TO. Identifiers: Orphanet 145, MedGen C2676676, MONDO:0011450, OMIM 604370. Disease mechanism: loss of function.

Submissions (2):

Evidence-based Network for the Interpretation of Germline Mutant Alleles (ENIGMA)
Classification: Pathogenic for Breast-ovarian cancer, familial, susceptibility to, 1. Last evaluated: 2016-10-18. Review status: reviewed by expert panel. Criteria: ENIGMA BRCA1/2 Classification Criteria (2015). Collection method: curation. Allele origin: germline.
Comment: Variant allele predicted to encode a truncated non-functional protein.

Consortium of Investigators of Modifiers of BRCA1/2 (CIMBA), c/o University of Cambridge
Classification: Pathogenic for Breast-ovarian cancer, familial, susceptibility to, 1. Last evaluated: 2015-10-02. Review status: criteria provided, single submitter. Criteria: CIMBA Mutation Classification guidelines May 2016. Collection method: clinical testing. Allele origin: germline. Not counted in ClinVar's aggregate classification.